The following is an entry in ClinVar:

NM_002878.4(RAD51D):c.449T>G (p.Leu150Arg)

Genes: RAD51D (RAD51 paralog D; minus strand), RAD51L3-RFFL (RAD51L3-RFFL readthrough; minus strand). Cytogenetic location: 17q12.
Variant type: single nucleotide variant.
Coding change: c.449T>G on transcript NM_002878.4 (MANE Select); coding-DNA position 449, T replaced by G.
Protein change: p.Leu150Arg; replaces leucine 150 with arginine.
Molecular consequence: missense variant. On other transcripts: non-coding transcript variant (1), intron variant (1).
Genome position (GRCh38, 1-based): chr17:35,107,019, A>C on the plus strand (T>G on the coding strand, the complement: RAD51D is on the minus strand). VCF-style: chr17-35107019-A-C. GRCh37 (hg19) VCF-style: chr17-33434038-A-C.
Other names: c.509T>G, p.Leu170Arg (NM_001142571.2); c.145-538T>G (NM_133629.3); short protein forms L150R, L170R.
Identifiers: ClinVar variation 232889 (VCV000232889.5), dbSNP rs876660054, ClinGen allele CA10580459.

ClinVar aggregate classification (germline): Uncertain significance (1 of 4 stars; one submission).

Conditions:
Hereditary cancer-predisposing syndrome. Also called: Neoplastic Syndromes, Hereditary; Tumor predisposition; Hereditary Cancer Syndrome; Hereditary neoplastic syndrome. Identifiers: Orphanet 140162, MedGen C0027672, MeSH D009386, MONDO:0015356.

Submission:

Ambry Genetics
Classification: Uncertain significance for Hereditary cancer-predisposing syndrome. Last evaluated: 2015-07-14. Review status: criteria provided, single submitter. Criteria: Ambry Variant Classification Scheme 2023. Collection method: clinical testing. Allele origin: germline.
Comment: The p.L150R variant (also known as c.449T>G), located in coding exon 5 of the RAD51D gene, results from a T to G substitution at nucleotide position 449. The leucine at codon 150 is replaced by arginine, an amino acid with dissimilar properties. This variant was not reported in population based cohorts in the following databases: Database of Single Nucleotide Polymorphisms (dbSNP), NHLBI Exome Sequencing Project (ESP), and 1000 Genomes Project. In the ESP, this variant was not observed in 6503 samples (13006 alleles) with coverage at this position. To date, this alteration has been detected with an allele frequency of approximately 0.002% (greater than 53000 alleles tested) in our clinical cohort. This amino acid position is highly conserved in available vertebrate species. In addition, the in silico prediction for this alteration is inconclusive. Since supporting evidence is limited at this time, the clinical significance of p.L150R remains unclear.